The following is an entry in ClinVar:

NM_182961.4(SYNE1):c.23C>T (p.Ser8Phe)

Gene: SYNE1 (spectrin repeat containing nuclear envelope protein 1; minus strand). Cytogenetic location: 6q25.2.
Variant type: single nucleotide variant.
Coding change: c.23C>T on transcript NM_182961.4 (MANE Select); coding-DNA position 23, C replaced by T.
Protein change: p.Ser8Phe; replaces serine 8 with phenylalanine.
Molecular consequence: missense variant.
Genome position (GRCh38, 1-based): chr6:152,628,309, G>A on the plus strand (C>T on the coding strand, the complement: SYNE1 is on the minus strand). VCF-style: chr6-152628309-G-A. GRCh37 (hg19) VCF-style: chr6-152949444-G-A.
Other names: c.23C>T, p.Ser8Phe (NM_033071.5); short protein forms S8F.
Identifiers: ClinVar variation 195394 (VCV000195394.16), dbSNP rs139600654, ClinGen allele CA241816.

ClinVar aggregate classification (germline): Conflicting classifications of pathogenicity. Review status: criteria provided, conflicting classifications (1 of 4 stars). 6 submissions from 5 submitters: Uncertain significance (5); Benign (1). Last evaluated 2025-09-03.

Conditions:
Autosomal recessive ataxia, Beauce type. Also called: SYNE1 Deficiency; Spinocerebellar ataxia, autosomal recessive 8; SYNE1-Related Autosomal Recessive Cerebellar Ataxia; ATAXIA, RECESSIVE, OF BEAUCE. Identifiers: Orphanet 88644, MedGen C1853116, MONDO:0012549, OMIM 610743.
Emery-Dreifuss muscular dystrophy 4, autosomal dominant (EDMD4). Also called: EMERY-DREIFUSS MUSCULAR DYSTROPHY 4 WITH VARIABLE FEATURES. Identifiers: Orphanet 261, MedGen C2751807, MONDO:0013071, OMIM 612998.

Allele frequency attached by ClinVar (database versions not stated): gnomAD exomes 0.00001 and 0.00006; ExAC 0.00008; TOPMed 0.00025; gnomAD 0.00026 and 0.00029; ESP Exome Variant Server 0.00031.
gnomAD v4.1: 57 of 1,614,052 alleles (0.0035%); highest among the groups gnomAD compares: African/African-American, 0.076%; no homozygotes.

Submissions (6):

Women's Health and Genetics/Laboratory Corporation of America, LabCorp
Classification: Uncertain significance. Last evaluated: 2025-09-03. Review status: criteria provided, single submitter. Criteria: LabCorp Variant Classification Summary - May 2015. Collection method: clinical testing. Allele origin: germline.
Comment: Variant summary: SYNE1 c.23C>T (p.Ser8Phe) results in a non-conservative amino acid change in the encoded protein sequence. Algorithms developed to predict the effect of missense changes on protein structure and function are either unavailable or do not agree on the potential impact of this missense change. The variant allele was found at a frequency of 6.4e-05 in 251316 control chromosomes. This frequency is not significantly higher than estimated for disease-causing variants in SYNE1, allowing no conclusion about variant significance. To our knowledge, no occurrence of c.23C>T in individuals affected with SYNE1-related conditions and no experimental evidence demonstrating its impact on protein function have been reported. ClinVar contains an entry for this variant (Variation ID: 195394). Based on the evidence outlined above, the variant was classified as uncertain significance.

Labcorp Genetics (formerly Invitae), Labcorp
Classification: Uncertain significance for Emery-Dreifuss muscular dystrophy 4, autosomal dominant; Autosomal recessive ataxia, Beauce type. Last evaluated: 2021-08-31. Review status: criteria provided, single submitter. Criteria: Invitae Variant Classification Sherloc (09022015). Collection method: clinical testing. Allele origin: germline.
Comment: This sequence change replaces serine with phenylalanine at codon 8 of the SYNE1 protein (p.Ser8Phe). The serine residue is moderately conserved and there is a large physicochemical difference between serine and phenylalanine. This variant is present in population databases (rs139600654, ExAC 0.1%). This variant has not been reported in the literature in individuals affected with SYNE1-related conditions. ClinVar contains an entry for this variant (Variation ID: 195394). Algorithms developed to predict the effect of missense changes on protein structure and function are either unavailable or do not agree on the potential impact of this missense change (SIFT: "Deleterious"; PolyPhen-2: "Benign"; Align-GVGD: "Class C0"). In summary, the available evidence is currently insufficient to determine the role of this variant in disease. Therefore, it has been classified as a Variant of Uncertain Significance.

Revvity Omics, Revvity
Classification: Uncertain significance. Last evaluated: 2019-05-02. Review status: criteria provided, single submitter. Criteria: ACMG Guidelines, 2015. Collection method: clinical testing. Allele origin: germline.

Illumina Laboratory Services, Illumina
Classification: Uncertain significance for Autosomal recessive ataxia, Beauce type. Last evaluated: 2018-01-12. Review status: criteria provided, single submitter. Criteria: ICSL Variant Classification Criteria 13 December 2019. Collection method: clinical testing. Allele origin: germline.

Illumina Laboratory Services, Illumina
Classification: Benign for Emery-Dreifuss muscular dystrophy 4, autosomal dominant. Last evaluated: 2018-01-12. Review status: criteria provided, single submitter. Criteria: ICSL Variant Classification Criteria 13 December 2019. Collection method: clinical testing. Allele origin: germline.
Comment: This variant was observed in the ICSL laboratory as part of a predisposition screen in an ostensibly healthy population. It had not been previously curated by ICSL or reported in the Human Gene Mutation Database (HGMD: prior to June 1st, 2018), and was therefore a candidate for classification through an automated scoring system. Utilizing variant allele frequency, disease prevalence and penetrance estimates, and inheritance mode, an automated score was calculated to assess if this variant is too frequent to cause the disease. Based on the score and internal cut-off values, a variant classified as benign is not then subjected to further curation. The score for this variant resulted in a classification of benign for this disease.

Eurofins Ntd Llc (ga)
Classification: Uncertain significance. Last evaluated: 2015-05-14. Review status: criteria provided, single submitter. Criteria: EGL Classification Definitions 2015. Collection method: clinical testing. Allele origin: germline. Observed: 3 variant alleles, 3 heterozygotes.